The following is an entry in ClinVar:

NM_004369.4(COL6A3):c.2353G>C (p.Glu785Gln)

Gene: COL6A3 (collagen type VI alpha 3 chain; minus strand). Cytogenetic location: 2q37.3.
Variant type: single nucleotide variant.
Coding change: c.2353G>C on transcript NM_004369.4 (MANE Select); coding-DNA position 2353, G replaced by C.
Protein change: p.Glu785Gln; replaces glutamic acid 785 with glutamine.
Molecular consequence: missense variant. On other transcripts: intron variant (1).
Genome position (GRCh38, 1-based): chr2:237,378,780, C>G on the plus strand (G>C on the coding strand, the complement: COL6A3 is on the minus strand). VCF-style: chr2-237378780-C-G. GRCh37 (hg19) VCF-style: chr2-238287423-C-G.
Other names: c.1132G>C, p.Glu378Gln (NM_057164.5); c.1735G>C, p.Glu579Gln (NM_057165.5, NM_057167.4); c.677-1436G>C (NM_057166.5); short protein forms E378Q, E579Q, E785Q.
Identifiers: ClinVar variation 1055426 (VCV001055426.9), dbSNP rs776048975, ClinGen allele CA2189421.

ClinVar aggregate classification (germline): Uncertain significance (1 of 4 stars; one submission).

Conditions:
Bethlem myopathy 1A. Also called: Bethlem Muscular Dystrophy; MYOPATHY, BENIGN CONGENITAL, WITH CONTRACTURES; Bethlem myopathy 1. Identifiers: Orphanet 610, MedGen CN029274, MONDO:0024530, OMIM 158810.

Allele frequency attached by ClinVar (database versions not stated): gnomAD exomes below 0.00001; ExAC 0.00001.

Submission:

Labcorp Genetics (formerly Invitae), Labcorp
Classification: Uncertain significance for Bethlem myopathy 1A. Last evaluated: 2022-07-18. Review status: criteria provided, single submitter. Criteria: Invitae Variant Classification Sherloc (09022015). Collection method: clinical testing. Allele origin: germline.
Comment: This sequence change replaces glutamic acid, which is acidic and polar, with glutamine, which is neutral and polar, at codon 785 of the COL6A3 protein (p.Glu785Gln). This variant is present in population databases (rs776048975, gnomAD 0.0009%). In summary, the available evidence is currently insufficient to determine the role of this variant in disease. Therefore, it has been classified as a Variant of Uncertain Significance. Advanced modeling of protein sequence and biophysical properties (such as structural, functional, and spatial information, amino acid conservation, physicochemical variation, residue mobility, and thermodynamic stability) performed at Invitae indicates that this missense variant is not expected to disrupt COL6A3 protein function. ClinVar contains an entry for this variant (Variation ID: 1055426). This variant has not been reported in the literature in individuals affected with COL6A3-related conditions.